The following is an entry in ClinVar:

ClinVar aggregate classification (germline): Uncertain significance (1 of 4 stars; one submission).

Conditions:
Charcot-Marie-Tooth disease dominant intermediate C (CMTDIC). Also called: CHARCOT-MARIE-TOOTH NEUROPATHY, DOMINANT INTERMEDIATE C. Identifiers: Orphanet 100045, MedGen C1842237, MONDO:0012012, OMIM 608323.

Allele frequency attached by ClinVar (database versions not stated): ExAC 0.00001.
gnomAD v4.1: 4 of 1,614,086 alleles (0.00025%); highest among the groups gnomAD compares: Non-Finnish European, 0.00034%; no homozygotes.

Submission:

Labcorp Genetics (formerly Invitae), Labcorp
Classification: Uncertain significance for Charcot-Marie-Tooth disease dominant intermediate C. Last evaluated: 2022-04-25. Review status: criteria provided, single submitter. Criteria: Invitae Variant Classification Sherloc (09022015). Collection method: clinical testing. Allele origin: germline.
Comment: This variant has not been reported in the literature in individuals affected with YARS-related conditions. This variant is present in population databases (rs747747759, gnomAD 0.0009%). This sequence change replaces proline, which is neutral and non-polar, with alanine, which is neutral and non-polar, at codon 270 of the YARS protein (p.Pro270Ala). Algorithms developed to predict the effect of missense changes on protein structure and function are either unavailable or do not agree on the potential impact of this missense change (SIFT: "Not Available"; PolyPhen-2: "Possibly Damaging"; Align-GVGD: "Not Available"). In summary, the available evidence is currently insufficient to determine the role of this variant in disease. Therefore, it has been classified as a Variant of Uncertain Significance.

NM_003680.4(YARS1):c.808C>G (p.Pro270Ala)

Genes: YARS1 (tyrosyl-tRNA synthetase 1; minus strand), LOC126805688 (BRD4-independent group 4 enhancer GRCh37_chr1:33251929-33253128; plus strand). Cytogenetic location: 1p35.1.
Variant type: single nucleotide variant.
Coding change: c.808C>G on transcript NM_003680.4 (MANE Select); coding-DNA position 808, C replaced by G.
Protein change: p.Pro270Ala; replaces proline 270 with alanine.
Molecular consequence: missense variant.
Genome position (GRCh38, 1-based): chr1:32,786,952, G>C on the plus strand (C>G on the coding strand, the complement: YARS1 is on the minus strand). VCF-style: chr1-32786952-G-C. GRCh37 (hg19) VCF-style: chr1-33252553-G-C.
Other names: short protein forms P270A.
Identifiers: ClinVar variation 2130533 (VCV002130533.4), dbSNP rs747747759, ClinGen allele CA745109.